The following is an entry in ClinVar:

ClinVar aggregate classification (germline): Conflicting classifications of pathogenicity. Review status: criteria provided, conflicting classifications (1 of 4 stars). 4 submissions from 4 submitters: Uncertain significance (1); Likely benign (2). 1 of the submissions does not count toward it. Last evaluated 2025-10-13.

Conditions:
LRP4-related disorder. Also called: LRP4-related condition.
Cenani-Lenz syndactyly syndrome. Also called: CENANI SYNDACTYLISM; SYNDACTYLY, TYPE VII. Identifiers: Orphanet 3258, MedGen C1859309, MONDO:0008931, OMIM 212780.
Sclerosteosis 2 (SOST2). Identifiers: Orphanet 3152, MedGen C3280402, MONDO:0013679, OMIM 614305.
Congenital myasthenic syndrome 17. Identifiers: Orphanet 590, MedGen C4225377, MONDO:0014578, OMIM 616304.

Allele frequency attached by ClinVar (database versions not stated): gnomAD exomes 0.00006 and 0.00020; ExAC 0.00026; gnomAD 0.00054 and 0.00058; ESP Exome Variant Server 0.00062; TOPMed 0.00068; 1000 Genomes Project 30x 0.00094; 1000 Genomes Project 0.00100.
gnomAD v4.1: 184 of 1,613,292 alleles (0.011%); highest among the groups gnomAD compares: African/African-American, 0.2%; no homozygotes.

Submissions (4):

Labcorp Genetics (formerly Invitae), Labcorp
Classification: Likely benign for Cenani-Lenz syndactyly syndrome; Sclerosteosis 2; Congenital myasthenic syndrome 17. Last evaluated: 2025-10-13. Review status: criteria provided, single submitter. Criteria: Invitae Variant Classification Sherloc (09022015). Collection method: clinical testing. Allele origin: germline.

Blueprint Genetics
Classification: Likely benign. Last evaluated: 2024-10-22. Review status: criteria provided, single submitter. Criteria: ACMG Guidelines, 2015. Collection method: clinical testing. Allele origin: germline.

Eurofins Ntd Llc (ga)
Classification: Uncertain significance. Last evaluated: 2016-09-29. Review status: criteria provided, single submitter. Criteria: EGL Classification Definitions 2015. Collection method: clinical testing. Allele origin: germline. Observed: 1 variant allele, 1 heterozygote.

PreventionGenetics, part of Exact Sciences
Classification: Likely benign for LRP4-related condition. Last evaluated: 2019-10-16. Review status: no assertion criteria provided. Collection method: clinical testing. Allele origin: germline. Not counted in ClinVar's aggregate classification.
Comment: This variant is classified as likely benign based on ACMG/AMP sequence variant interpretation guidelines (Richards et al. 2015 PMID: 25741868, with internal and published modifications).

NM_002334.4(LRP4):c.1194A>G (p.Glu398=)

Gene: LRP4 (LDL receptor related protein 4; minus strand). Cytogenetic location: 11p11.2.
Variant type: single nucleotide variant.
Coding change: c.1194A>G on transcript NM_002334.4 (MANE Select); coding-DNA position 1194, A replaced by G.
Protein change: p.Glu398=; no amino-acid change (glutamic acid 398 retained).
Molecular consequence: synonymous variant.
Genome position (GRCh38, 1-based): chr11:46,895,281, T>C on the plus strand (A>G on the coding strand, the complement: LRP4 is on the minus strand). VCF-style: chr11-46895281-T-C. GRCh37 (hg19) VCF-style: chr11-46916832-T-C.
Identifiers: ClinVar variation 497266 (VCV000497266.18), dbSNP rs138589242, ClinGen allele CA5970220.